The following is an entry in ClinVar:

ClinVar aggregate classification (germline): Pathogenic. Review status: reviewed by expert panel (3 of 4 stars). 6 submissions from 6 submitters: Pathogenic (1). 5 of the submissions do not count toward it. Last evaluated 2016-09-08.

Conditions:
Hereditary cancer-predisposing syndrome. Also called: Tumor predisposition; Neoplastic Syndromes, Hereditary; Hereditary Cancer Syndrome; Hereditary neoplastic syndrome. Identifiers: Orphanet 140162, MedGen C0027672, MeSH D009386, MONDO:0015356.
Hereditary breast ovarian cancer syndrome. Also called: Hereditary breast and ovarian cancer syndrome (HBOC); Hereditary breast and ovarian cancer syndrome; Hereditary breast and ovarian cancer; Hereditary breast and/or ovarian cancer syndrome; Breast and ovarian cancer; BRCA1- and BRCA2-Associated Hereditary Breast and Ovarian Cancer. Identifiers: Orphanet 145, MedGen C0677776, MeSH D061325, MONDO:0003582. Disease mechanism: loss of function.
Breast-ovarian cancer, familial, susceptibility to, 1 (BROVCA1). Also called: OVARIAN CANCER, SUSCEPTIBILITY TO; BRCA1 Hereditary Breast and Ovarian Cancer. Identifiers: Orphanet 145, MedGen C2676676, MONDO:0011450, OMIM 604370. Disease mechanism: loss of function.

Submissions (6):

Evidence-based Network for the Interpretation of Germline Mutant Alleles (ENIGMA)
Classification: Pathogenic for Breast-ovarian cancer, familial, susceptibility to, 1. Last evaluated: 2016-09-08. Review status: reviewed by expert panel. Criteria: ENIGMA BRCA1/2 Classification Criteria (2015). Collection method: curation. Allele origin: germline.
Comment: Variant allele predicted to encode a truncated non-functional protein.

Labcorp Genetics (formerly Invitae), Labcorp
Classification: Pathogenic for Hereditary breast ovarian cancer syndrome. Last evaluated: 2025-11-05. Review status: criteria provided, single submitter. Criteria: Invitae Variant Classification Sherloc (09022015). Collection method: clinical testing. Allele origin: germline. Not counted in ClinVar's aggregate classification.
Comment: This sequence change creates a premature translational stop signal (p.Glu914*) in the BRCA1 gene. It is expected to result in an absent or disrupted protein product. Loss-of-function variants in BRCA1 are known to be pathogenic (PMID: 20104584). This variant is not present in population databases (gnomAD no frequency). This premature translational stop signal has been observed in individual(s) with a personal and/or family history of breast and/or ovarian cancer (PMID: 25863477, 29446198). ClinVar contains an entry for this variant (Variation ID: 54667). For these reasons, this variant has been classified as Pathogenic.

Ambry Genetics
Classification: Pathogenic for Hereditary cancer-predisposing syndrome. Last evaluated: 2025-06-02. Review status: criteria provided, single submitter. Criteria: Ambry Variant Classification Scheme 2023. Collection method: clinical testing. Allele origin: germline. Not counted in ClinVar's aggregate classification.
Comment: The p.E914* pathogenic mutation (also known as c.2740G>T), located in coding exon 9 of the BRCA1 gene, results from a G to T substitution at nucleotide position 2740. This changes the amino acid from a glutamic acid to a stop codon within coding exon 9. This variant was detected in at least one patient at risk for hereditary breast and ovarian cancer (Kang E et al. Breast Cancer Res Treat, 2015 May;151:157-68; Kwong A et al. J Med Genet, 2016 Jan;53:15-23) and has been cited in a large, worldwide study of BRCA1/2 mutation positive families (Rebbeck TR et al. Hum Mutat, 2018 05;39:593-620). This variant was also reported in 1/60,466 breast cancer cases and in 1/53,461 controls (Dorling et al. N Engl J Med. 2021 02;384:428-439). This variant is considered to be rare based on population cohorts in the Genome Aggregation Database (gnomAD). This alteration is expected to result in loss of function by premature protein truncation or nonsense-mediated mRNA decay. As such, this alteration is interpreted as a disease-causing mutation.

GeneDx
Classification: Pathogenic. Last evaluated: 2022-01-20. Review status: criteria provided, single submitter. Criteria: GeneDx Variant Classification Process June 2021. Collection method: clinical testing. Allele origin: germline. Affected: yes. Not counted in ClinVar's aggregate classification.
Comment: Nonsense variant predicted to result in protein truncation or nonsense mediated decay in a gene for which loss-of-function is a known mechanism of disease; Identified in individuals with breast or ovarian cancer (Kang et al., 2015; Paik et al., 2021); Not observed at significant frequency in large population cohorts (gnomAD); Truncating variants in this gene are considered pathogenic by a well-established clinical consortium and/or database; Also known as 2859G>T; This variant is associated with the following publications: (PMID: 29446198, 25863477, 34657357)

Consortium of Investigators of Modifiers of BRCA1/2 (CIMBA), c/o University of Cambridge
Classification: Pathogenic for Breast-ovarian cancer, familial, susceptibility to, 1. Last evaluated: 2015-10-02. Review status: criteria provided, single submitter. Criteria: CIMBA Mutation Classification guidelines May 2016. Collection method: clinical testing. Allele origin: germline. Not counted in ClinVar's aggregate classification.

Breast Cancer Information Core (BIC) (BRCA1)
Classification: Pathogenic for Breast-ovarian cancer, familial 1. Last evaluated: 2003-12-23. Review status: no assertion criteria provided. Collection method: clinical testing. Allele origin: germline. Affected: yes. Observed: 1 variant allele. Not counted in ClinVar's aggregate classification.

Literature cited by the submitters: PubMed 20104584 (cited by Labcorp Genetics (formerly Invitae), Labcorp); PubMed 25863477 (cited by Labcorp Genetics (formerly Invitae), Labcorp and Ambry Genetics); PubMed 29446198 (cited by Labcorp Genetics (formerly Invitae), Labcorp and Ambry Genetics); PubMed 26187060 (cited by Ambry Genetics); PubMed 33471991 (cited by Ambry Genetics).

NM_007294.4(BRCA1):c.2740G>T (p.Glu914Ter)

Gene: BRCA1 (BRCA1 DNA repair associated; minus strand). Cytogenetic location: 17q21.31.
Variant type: single nucleotide variant.
Coding change: c.2740G>T on transcript NM_007294.4 (MANE Select); coding-DNA position 2740, G replaced by T.
Protein change: p.Glu914Ter; replaces glutamic acid 914 with a stop codon.
Molecular consequence: nonsense. On other transcripts: intron variant (137).
Genome position (GRCh38, 1-based): chr17:43,092,791, C>A on the plus strand (G>T on the coding strand, the complement: BRCA1 is on the minus strand). VCF-style: chr17-43092791-C-A. GRCh37 (hg19) VCF-style: chr17-41244808-C-A.
Other names: c.2527G>T, p.Glu843Ter (NM_001407571.1, NM_001407853.1, NM_001407894.1 and 9 more transcripts); c.2740G>T, p.Glu914Ter (NM_001407581.1, NM_001407582.1, NM_001407583.1 and 30 more transcripts); c.2737G>T, p.Glu913Ter (NM_001407587.1, NM_001407590.1, NM_001407591.1 and 22 more transcripts); c.2731G>T, p.Glu911Ter (NM_001407646.1, NM_001407647.1); c.2617G>T, p.Glu873Ter (NM_001407648.1, NM_001407664.1, NM_001407665.1 and 19 more transcripts); c.2614G>T, p.Glu872Ter (NM_001407649.1, NM_001407670.1, NM_001407671.1 and 11 more transcripts); c.2662G>T, p.Glu888Ter (NM_001407653.1, NM_001407654.1, NM_001407655.1 and 4 more transcripts); c.2659G>T, p.Glu887Ter (NM_001407659.1, NM_001407660.1, NM_001407661.1 and 1 more transcripts); and 41 more; short protein forms E914*, E867*, E786*, E803*, E826*, E846*, E866*, E887*.
Identifiers: ClinVar variation 54667 (VCV000054667.20), dbSNP rs80357419, ClinGen allele CA001806.
Genomic context (GRCh38, chr17:43,092,791, plus strand): 5'-GACCAACCACAGGAAAGCCTGCAGTGATATTAACTGTCTGTACAGGCTTGATATTAGACT[C>A]ATTCTTTCCTTGATTTTCTTCCTTTTGTTCACATTCAAAAGTGACTTTTGGACTTTGTTT-3'